The following is an entry in ClinVar:

NM_001145809.2(MYH14):c.3704C>T (p.Thr1235Met)

Gene: MYH14 (myosin heavy chain 14; plus strand). Cytogenetic location: 19q13.33.
Variant type: single nucleotide variant.
Coding change: c.3704C>T on transcript NM_001145809.2 (MANE Select); coding-DNA position 3704, C replaced by T.
Protein change: p.Thr1235Met; replaces threonine 1235 with methionine.
Molecular consequence: missense variant.
Genome position (GRCh38, 1-based): chr19:50,276,780, C>T. VCF-style: chr19-50276780-C-T. GRCh37 (hg19) VCF-style: chr19-50780037-C-T.
Other names: c.3704C>T (NM_001145809.1); c.3605C>T, p.Thr1202Met (NM_001077186.2); c.3581C>T, p.Thr1194Met (NM_024729.4); short protein forms T1235M, T1194M, T1202M.
Identifiers: ClinVar variation 329932 (VCV000329932.23), dbSNP rs200988515, ClinGen allele CA9593296.
Genomic context (GRCh38, chr19:50,276,780, plus strand): 5'-CTGAAATTCCCATCCTCTCTCCTTTCCCCCAATAAAGGTCCAAGAGGGAACAGGAGGTGA[C>T]GGAGCTGAAGAAGACTCTGGAGGAGGAGACTCGCATCCACGAGGCGGCAGTGCAGGAGCT-3'
Protein context (NP_001139281.1, residues 1225-1245): ELRSKREQEV[Thr1235Met]ELKKTLEEET

ClinVar aggregate classification (germline): Conflicting classifications of pathogenicity. Review status: criteria provided, conflicting classifications (1 of 4 stars). 7 submissions from 7 submitters: Uncertain significance (3); Likely benign (2). 2 of the submissions do not count toward it. Last evaluated 2025-10-15.

Conditions:
MYH14-related disorder. Also called: MYH14-related condition.
Autosomal dominant nonsyndromic hearing loss 4A. Also called: Deafness, autosomal dominant 4A. Identifiers: Orphanet 90635, MedGen C1833503, MONDO:0010915, OMIM 600652.

Allele frequency attached by ClinVar (database versions not stated): gnomAD 0.00005; TOPMed 0.00007; ESP Exome Variant Server 0.00016.
gnomAD v4.1: 76 of 1,613,362 alleles (0.0047%); highest among the groups gnomAD compares: Non-Finnish European, 0.0061%; no homozygotes.

Submissions (7):

Women's Health and Genetics/Laboratory Corporation of America, LabCorp
Classification: Likely benign. Last evaluated: 2025-10-15. Review status: criteria provided, single submitter. Criteria: LabCorp Variant Classification Summary - May 2015. Collection method: clinical testing. Allele origin: germline.
Comment: Variant summary: MYH14 c.3581C>T (p.Thr1194Met) results in a non-conservative amino acid change located in the Myosin tail domain (IPR002928) of the encoded protein sequence. Algorithms developed to predict the effect of missense changes on protein structure and function are either unavailable or do not agree on the potential impact of this missense change. The variant allele was found at a frequency of 4e-05 in 248778 control chromosomes (gnomAD). The observed variant frequency exceeds the estimated maximal expected allele frequency for disease-causing variants in MYH14. To our knowledge, no occurrence of c.3581C>T in individuals affected with MYH14-related conditions and no experimental evidence demonstrating its impact on protein function have been reported. ClinVar contains an entry for this variant (Variation ID: 329932). Based on the evidence outlined above, the variant was classified as likely benign.

Labcorp Genetics (formerly Invitae), Labcorp
Classification: Uncertain significance. Last evaluated: 2025-09-15. Review status: criteria provided, single submitter. Criteria: Invitae Variant Classification Sherloc (09022015). Collection method: clinical testing. Allele origin: germline.
Comment: This sequence change replaces threonine, which is neutral and polar, with methionine, which is neutral and non-polar, at codon 1194 of the MYH14 protein (p.Thr1194Met). This variant is present in population databases (rs200988515, gnomAD 0.006%). This variant has not been reported in the literature in individuals affected with MYH14-related conditions. ClinVar contains an entry for this variant (Variation ID: 329932). Invitae Evidence Modeling of protein sequence and biophysical properties (such as structural, functional, and spatial information, amino acid conservation, physicochemical variation, residue mobility, and thermodynamic stability) indicates that this missense variant is not expected to disrupt MYH14 protein function with a negative predictive value of 80%. In summary, the available evidence is currently insufficient to determine the role of this variant in disease. Therefore, it has been classified as a Variant of Uncertain Significance.

CeGaT Center for Human Genetics Tuebingen
Classification: Likely benign. Last evaluated: 2025-02-01. Review status: criteria provided, single submitter. Criteria: CeGaT Center For Human Genetics Tuebingen Variant Classification Criteria Version 2. Collection method: clinical testing. Allele origin: germline. Affected: yes. Observed: 1 variant allele.
Comment: MYH14: BP4

GeneDx
Classification: Uncertain significance. Last evaluated: 2019-07-22. Review status: criteria provided, single submitter. Criteria: GeneDx Variant Classification Process June 2021. Collection method: clinical testing. Allele origin: germline. Affected: yes.
Comment: In silico analysis, which includes protein predictors and evolutionary conservation, supports that this variant does not alter protein structure/function; Has not been previously published as pathogenic or benign to our knowledge

Illumina Laboratory Services, Illumina
Classification: Uncertain significance for Autosomal dominant nonsyndromic hearing loss 4A. Last evaluated: 2018-01-13. Review status: criteria provided, single submitter. Criteria: ICSL Variant Classification Criteria 13 December 2019. Collection method: clinical testing. Allele origin: germline.

PreventionGenetics, part of Exact Sciences
Classification: Uncertain significance for MYH14-related condition. Last evaluated: 2024-09-04. Review status: no assertion criteria provided. Collection method: clinical testing. Allele origin: germline. Not counted in ClinVar's aggregate classification.
Comment: The MYH14 c.3704C>T variant is predicted to result in the amino acid substitution p.Thr1235Met. To our knowledge, this variant has not been reported in the literature. This variant is reported in 0.0065% of alleles in individuals of African descent in gnomAD. At this time, the clinical significance of this variant is uncertain due to the absence of conclusive functional and genetic evidence.

Department of Pathology and Laboratory Medicine, Sinai Health System
Classification: Uncertain significance. Review status: no assertion criteria provided. Collection method: clinical testing. Allele origin: unknown. Affected: yes. Study: The Canadian Open Genetics Repository (COGR). Not counted in ClinVar's aggregate classification.
Comment: The MYH14 p.Thr1202Met variant was not identified in the literature nor was it identified in Cosmic or LOVD 3.0. The variant was identified in dbSNP (ID: rs200988515) and ClinVar (classified as uncertain significance by Illumina with associated condition of non-syndromic hearing loss). The variant was identified in control databases in 10 of 248778 chromosomes at a frequency of 0.00004 (Genome Aggregation Database Feb 27, 2017). The variant was observed in the following populations: African in 1 of 15424 chromosomes (freq: 0.000065), European (non-Finnish) in 7 of 112626 chromosomes (freq: 0.000062), East Asian in 1 of 17964 chromosomes (freq: 0.000056) and Latino in 1 of 34524 chromosomes (freq: 0.000029); the variant was not observed in the Ashkenazi Jewish, European (Finnish), Other, and South Asian populations. The p.Thr1202 residue is conserved across mammals and other organisms, and four out of five computational analyses (PolyPhen-2, SIFT, AlignGVGD, BLOSUM) suggest that the variant may impact the protein; however, this information is not predictive enough to assume pathogenicity. The variant occurs outside of the splicing consensus sequence and in silico or computational prediction software programs (SpliceSiteFinder, MaxEntScan, NNSPLICE, GeneSplicer) do not predict a difference in splicing. In summary, based on the above information the clinical significance of this variant cannot be determined with certainty at this time. This variant is classified as a variant of uncertain significance.